The following is an entry in ClinVar:

ClinVar aggregate classification (germline): Benign/Likely benign. Review status: criteria provided, multiple submitters, no conflicts (2 of 4 stars). 5 submissions from 5 submitters: Benign (1); Likely benign (4). Last evaluated 2026-09-01.

Allele frequency attached by ClinVar (database versions not stated): 1000 Genomes Project 30x 0.00156; 1000 Genomes Project 0.00160; gnomAD 0.00217; TOPMed 0.00247; ExAC 0.00252; ESP Exome Variant Server 0.00369.

Submissions (5):

CeGaT Center for Human Genetics Tuebingen
Classification: Likely benign. Last evaluated: 2026-09-01. Review status: criteria provided, single submitter. Criteria: CeGaT Center For Human Genetics Tuebingen Variant Classification Criteria Version 2. Collection method: clinical testing. Allele origin: germline. Affected: yes. Observed: 8 variant alleles.
Comment: FDX2: BP4, BP7

Labcorp Genetics (formerly Invitae), Labcorp
Classification: Benign. Last evaluated: 2026-01-30. Review status: criteria provided, single submitter. Criteria: Invitae Variant Classification Sherloc (09022015). Collection method: clinical testing. Allele origin: germline.

Mayo Clinic Laboratories, Mayo Clinic
Classification: Likely benign. Last evaluated: 2025-10-22. Review status: criteria provided, single submitter. Criteria: ACMG Guidelines, 2015. Collection method: clinical testing. Allele origin: germline. Observed: 10 variant alleles.
Comment: BS2, BP4, BP7

Blueprint Genetics
Classification: Likely benign. Last evaluated: 2024-11-23. Review status: criteria provided, single submitter. Criteria: ACMG Guidelines, 2015. Collection method: clinical testing. Allele origin: germline.

GeneDx
Classification: Likely benign. Last evaluated: 2018-02-12. Review status: criteria provided, single submitter. Criteria: GeneDx Variant Classification (06012015). Collection method: clinical testing. Allele origin: germline. Affected: yes.
Comment: This variant is considered likely benign or benign based on one or more of the following criteria: it is a conservative change, it occurs at a poorly conserved position in the protein, it is predicted to be benign by multiple in silico algorithms, and/or has population frequency not consistent with disease.

NM_001397406.1(FDX2):c.441G>A (p.Ser147=)

Genes: FDX2 (ferredoxin 2; minus strand), FDX2-ZGLP1 (FDX2-ZGLP1 readthrough (NMD candidate); minus strand). Cytogenetic location: 19p13.2.
Variant type: single nucleotide variant.
Coding change: c.441G>A on transcript NM_001397406.1 (MANE Select); coding-DNA position 441, G replaced by A.
Protein change: p.Ser147=; no amino-acid change (serine 147 retained).
Molecular consequence: synonymous variant. On other transcripts: non-coding transcript variant (2).
Genome position (GRCh38, 1-based): chr19:10,310,597, C>T on the plus strand (G>A on the coding strand, the complement: FDX2 is on the minus strand). VCF-style: chr19-10310597-C-T. GRCh37 (hg19) VCF-style: chr19-10421273-C-T.
Other names: p.Ser150=; c.450G>A (NM_001031734.4).
Identifiers: ClinVar variation 384778 (VCV000384778.34), dbSNP rs149654332, ClinGen allele CA9191193.